The following is an entry in ClinVar:

ClinVar aggregate classification (germline): Likely benign. Review status: criteria provided, multiple submitters, no conflicts (2 of 4 stars). 2 submissions from 2 submitters: Likely benign (2). Last evaluated 2025-11-22.

Allele frequency attached by ClinVar (database versions not stated): gnomAD exomes below 0.00001 and 0.00002; gnomAD 0.00002; TOPMed 0.00002.
gnomAD v4.1: 25 of 1,612,918 alleles (0.0015%); highest among the groups gnomAD compares: Non-Finnish European, 0.0021%; no homozygotes.

Submissions (2):

Labcorp Genetics (formerly Invitae), Labcorp
Classification: Likely benign. Last evaluated: 2025-11-22. Review status: criteria provided, single submitter. Criteria: Invitae Variant Classification Sherloc (09022015). Collection method: clinical testing. Allele origin: germline.

Laboratory for Molecular Medicine, Mass General Brigham Personalized Medicine
Classification: Likely benign. Last evaluated: 2017-04-27. Review status: criteria provided, single submitter. Criteria: LMM Criteria. Collection method: clinical testing. Allele origin: germline. Observed: 1 variant allele.
Comment: p.Lys123Lys in exon 5 of PCDH15: This variant is not expected to have clinical s ignificance because it does not alter an amino acid residue and is not located w ithin the splice consensus sequence.

NM_001384140.1(PCDH15):c.369A>G (p.Lys123=)

Gene: PCDH15 (protocadherin related 15; minus strand). Cytogenetic location: 10q21.1.
Variant type: single nucleotide variant.
Coding change: c.369A>G on transcript NM_001384140.1 (MANE Select); coding-DNA position 369, A replaced by G.
Protein change: p.Lys123=; no amino-acid change (lysine 123 retained).
Molecular consequence: synonymous variant.
Genome position (GRCh38, 1-based): chr10:54,369,225, T>C on the plus strand (A>G on the coding strand, the complement: PCDH15 is on the minus strand). VCF-style: chr10-54369225-T-C. GRCh37 (hg19) VCF-style: chr10-56128985-T-C.
Other names: c.384A>G, p.Lys128= (NM_001142763.2, NM_001142769.4, NM_001142771.2); c.369A>G, p.Lys123= (NM_001142764.2, NM_001142765.2, NM_001142766.2 and 8 more transcripts); c.303A>G, p.Lys101= (NM_001142768.2, NM_001142773.2, NM_001354404.2).
Identifiers: ClinVar variation 505767 (VCV000505767.13), dbSNP rs1317246200, ClinGen allele CA469525615.
Genomic context (GRCh38, chr10:54,369,225, plus strand): 5'-GTTGTCATTCCTGTCTCTCACCACTATTCGCACTTCATGGTAGATAATAGTGCCCACTTT[T>C]TTGTTGATGCACTGGACCTGCACCACAATGGAGTGTATGTTCATCGGTGGCTGCAATGTA-3'
Protein context (NP_001371069.1, residues 113-133): SIVVQVQCIN[Lys123=]KVGTIIYHEV